The following is an entry in ClinVar:

NM_182914.3(SYNE2):c.2135A>T (p.Tyr712Phe)

Gene: SYNE2 (spectrin repeat containing nuclear envelope protein 2; plus strand). Cytogenetic location: 14q23.2.
Variant type: single nucleotide variant.
Coding change: c.2135A>T on transcript NM_182914.3 (MANE Select); coding-DNA position 2135, A replaced by T.
Protein change: p.Tyr712Phe; replaces tyrosine 712 with phenylalanine.
Molecular consequence: missense variant.
Genome position (GRCh38, 1-based): chr14:63,983,870, A>T. VCF-style: chr14-63983870-A-T. GRCh37 (hg19) VCF-style: chr14-64450588-A-T.
Other names: c.2135A>T, p.Tyr712Phe (NM_015180.6); short protein forms Y712F.
Identifiers: ClinVar variation 4777672 (VCV004777672.1).

ClinVar aggregate classification (germline): Uncertain significance (1 of 4 stars; one submission).

Conditions:
Emery-Dreifuss muscular dystrophy 5, autosomal dominant (EDMD5). Also called: EMERY-DREIFUSS MUSCULAR DYSTROPHY 5. Identifiers: Orphanet 261, MedGen C2751805, MONDO:0013072, OMIM 612999.

gnomAD v4.1: 1 of 1,549,310 alleles (0.000065%); highest among the groups gnomAD compares: Non-Finnish European, 0.000089%; no homozygotes.

Submission:

Labcorp Genetics (formerly Invitae), Labcorp
Classification: Uncertain significance for Emery-Dreifuss muscular dystrophy 5, autosomal dominant. Last evaluated: 2025-02-07. Review status: criteria provided, single submitter. Criteria: Invitae Variant Classification Sherloc (09022015). Collection method: clinical testing. Allele origin: germline.
Comment: This sequence change replaces tyrosine, which is neutral and polar, with phenylalanine, which is neutral and non-polar, at codon 712 of the SYNE2 protein (p.Tyr712Phe). This variant is not present in population databases (gnomAD no frequency). This variant has not been reported in the literature in individuals affected with SYNE2-related conditions. An algorithm developed to predict the effect of missense changes on protein structure and function (PolyPhen-2) suggests that this variant is likely to be tolerated. In summary, the available evidence is currently insufficient to determine the role of this variant in disease. Therefore, it has been classified as a Variant of Uncertain Significance.